The following is an entry in ClinVar:

NM_000399.5(EGR2):c.9C>T (p.Thr3=)

Gene: EGR2 (early growth response 2; minus strand). Cytogenetic location: 10q21.3.
Variant type: single nucleotide variant.
Coding change: c.9C>T on transcript NM_000399.5 (MANE Select); coding-DNA position 9, C replaced by T.
Protein change: p.Thr3=; no amino-acid change (threonine 3 retained).
Molecular consequence: synonymous variant. On other transcripts: intron variant (2).
Genome position (GRCh38, 1-based): chr10:62,816,021, G>A on the plus strand (C>T on the coding strand, the complement: EGR2 is on the minus strand). VCF-style: chr10-62816021-G-A. GRCh37 (hg19) VCF-style: chr10-64575781-G-A.
Other names: c.9C>T, p.Thr3= (NM_001136177.3, NM_001136178.2); c.-90-52C>T (NM_001321037.2); c.-91+49C>T (NM_001136179.3).
Identifiers: ClinVar variation 509904 (VCV000509904.11), dbSNP rs1554853482, ClinGen allele CA469848525.

ClinVar aggregate classification (germline): Likely benign. Review status: criteria provided, multiple submitters, no conflicts (2 of 4 stars). 3 submissions from 3 submitters: Likely benign (3). Last evaluated 2019-07-11.

Conditions:
Inborn genetic diseases. Identifiers: MedGen C0950123, MeSH D030342.
Charcot-Marie-Tooth disease, type I (CMT1). Also called: Charcot-Marie-Tooth disease type 1; Charcot-Marie-Tooth, Type 1. Identifiers: Orphanet 65753, MedGen C0751036, MONDO:0019011.

Allele frequency attached by ClinVar (database versions not stated): TOPMed below 0.00001; gnomAD 0.00001; gnomAD exomes 0.00001.
gnomAD v4.1: 12 of 1,614,008 alleles (0.00074%); highest among the groups gnomAD compares: Non-Finnish European, 0.001%; no homozygotes.

Submissions (3):

Ambry Genetics
Classification: Likely benign for Inborn genetic diseases. Last evaluated: 2019-07-11. Review status: criteria provided, single submitter. Criteria: Ambry Variant Classification Scheme 2023. Collection method: clinical testing. Allele origin: germline.

Labcorp Genetics (formerly Invitae), Labcorp
Classification: Likely benign for Charcot-Marie-Tooth disease, type I. Last evaluated: 2019-02-12. Review status: criteria provided, single submitter. Criteria: Invitae Variant Classification Sherloc (09022015). Collection method: clinical testing. Allele origin: germline.

GeneDx
Classification: Likely benign. Last evaluated: 2017-06-01. Review status: criteria provided, single submitter. Criteria: GeneDx Variant Classification (06012015). Collection method: clinical testing. Allele origin: germline. Affected: yes.
Comment: This variant is considered likely benign or benign based on one or more of the following criteria: it is a conservative change, it occurs at a poorly conserved position in the protein, it is predicted to be benign by multiple in silico algorithms, and/or has population frequency not consistent with disease.